The following is an entry in ClinVar:

NM_138395.4(MARS2):c.1078A>G (p.Thr360Ala)

Gene: MARS2 (methionyl-tRNA synthetase 2, mitochondrial; plus strand). Cytogenetic location: 2q33.1.
Variant type: single nucleotide variant.
Coding change: c.1078A>G on transcript NM_138395.4 (MANE Select); coding-DNA position 1078, A replaced by G.
Protein change: p.Thr360Ala; replaces threonine 360 with alanine.
Molecular consequence: missense variant.
Genome position (GRCh38, 1-based): chr2:197,706,483, A>G. VCF-style: chr2-197706483-A-G. GRCh37 (hg19) VCF-style: chr2-198571207-A-G.
Other names: short protein forms T360A.
Identifiers: ClinVar variation 2955750 (VCV002955750.3), dbSNP rs746272844, ClinGen allele CA2044686.

ClinVar aggregate classification (germline): Uncertain significance (1 of 4 stars; one submission).

Allele frequency attached by ClinVar (database versions not stated): TOPMed 0.00011; gnomAD exomes 0.00002; ExAC 0.00001; gnomAD 0.00008.

Submission:

Labcorp Genetics (formerly Invitae), Labcorp
Classification: Uncertain significance. Last evaluated: 2025-07-09. Review status: criteria provided, single submitter. Criteria: Invitae Variant Classification Sherloc (09022015). Collection method: clinical testing. Allele origin: germline.
Comment: This sequence change replaces threonine, which is neutral and polar, with alanine, which is neutral and non-polar, at codon 360 of the MARS2 protein (p.Thr360Ala). This variant is present in population databases (rs746272844, gnomAD 0.009%). This variant has not been reported in the literature in individuals affected with MARS2-related conditions. ClinVar contains an entry for this variant (Variation ID: 2955750). Invitae Evidence Modeling of protein sequence and biophysical properties (such as structural, functional, and spatial information, amino acid conservation, physicochemical variation, residue mobility, and thermodynamic stability) indicates that this missense variant is not expected to disrupt MARS2 protein function with a negative predictive value of 80%. In summary, the available evidence is currently insufficient to determine the role of this variant in disease. Therefore, it has been classified as a Variant of Uncertain Significance.